The following is an entry in ClinVar:

ClinVar aggregate classification (germline): Uncertain significance (1 of 4 stars; one submission).

Submission:

Labcorp Genetics (formerly Invitae), Labcorp
Classification: Uncertain significance. Last evaluated: 2024-08-13. Review status: criteria provided, single submitter. Criteria: Invitae Variant Classification Sherloc (09022015). Collection method: clinical testing. Allele origin: germline.
Comment: This variant, c.2104_2106del, results in the deletion of 1 amino acid(s) of the TCF20 protein (p.Pro702del), but otherwise preserves the integrity of the reading frame. This variant is present in population databases (rs771214765, gnomAD 0.02%). This variant has not been reported in the literature in individuals affected with TCF20-related conditions. ClinVar contains an entry for this variant (Variation ID: 1393875). In summary, the available evidence is currently insufficient to determine the role of this variant in disease. Therefore, it has been classified as a Variant of Uncertain Significance.

NM_001378418.1(TCF20):c.2104_2106del (p.Pro702del)

Gene: TCF20 (transcription factor 20; minus strand). Cytogenetic location: 22q13.2.
Variant type: Deletion.
Coding change: c.2104_2106del on transcript NM_001378418.1 (MANE Select); coding-DNA positions 2104 to 2106, 3 bases deleted (CCT; older notation c.2104_2106delCCT).
Protein change: p.Pro702del; deletes proline 702.
Molecular consequence: inframe deletion.
Genome position (GRCh38, 1-based): chr22:42,213,200-42,213,202, AGG deleted on the plus strand (CCT on the coding strand, the reverse complement: TCF20 is on the minus strand); deleting any 3 consecutive bases within chr22:42,213,200-42,213,204 gives the same sequence; the c. name uses the placement nearest the transcript's 3' end. VCF-style (leftmost placement, unchanged base first): chr22-42213199-CAGG-C. GRCh37 (hg19) VCF-style: chr22-42609205-CAGG-C.
Other names: c.2104_2106del, p.Pro702del (NM_005650.4, NM_181492.3); short protein forms P702del.
Identifiers: ClinVar variation 1393875 (VCV001393875.6), dbSNP rs771214765, ClinGen allele CA10267065.